The following is an entry in ClinVar:

ClinVar aggregate classification (germline): Uncertain significance (1 of 4 stars; one submission).

Conditions:
TRIOBP-related disorder. Also called: TRIOBP-related condition.

gnomAD v4.1: 6 of 1,335,382 alleles (0.00045%); highest among the groups gnomAD compares: African/African-American, 0.0058%; no homozygotes.

Submission:

PreventionGenetics, part of Exact Sciences
Classification: Uncertain significance for TRIOBP-related condition. Last evaluated: 2026-04-13. Review status: criteria provided, single submitter. Criteria: ACMG Guidelines, 2015. Collection method: clinical testing. Allele origin: germline.
Comment: The TRIOBP c.1193G>A variant is predicted to result in the amino acid substitution p.Gly398Asp. To our knowledge, this variant has not been reported in the literature. This variant is reported in 0.011% of alleles in individuals of African descent in gnomAD. At this time, the clinical significance of this variant is uncertain due to the absence of conclusive functional and genetic evidence.

NM_001039141.3(TRIOBP):c.6324+160G>A

Gene: TRIOBP (TRIO and F-actin binding protein; plus strand). Cytogenetic location: 22q13.1.
Variant type: single nucleotide variant.
Coding change: c.6324+160G>A on transcript NM_001039141.3 (MANE Select); 160 bases into the intron after coding-DNA position 6324, G replaced by A.
Molecular consequence: intron variant. On other transcripts: missense variant (1).
Genome position (GRCh38, 1-based): chr22:37,759,424, G>A. VCF-style: chr22-37759424-G-A. GRCh37 (hg19) VCF-style: chr22-38155431-G-A.
Other names: c.1193G>A, p.Gly398Asp (NM_138632.2); c.1185+160G>A (NM_007032.5); short protein forms G398D.
Identifiers: ClinVar variation 5002644 (VCV005002644.1).